The following is an entry in ClinVar:

ClinVar aggregate classification (germline): Uncertain significance. Review status: criteria provided, multiple submitters, no conflicts (2 of 4 stars). 2 submissions from 2 submitters: Uncertain significance (2). Last evaluated 2025-12-03.

Conditions:
Hereditary cancer-predisposing syndrome. Also called: Neoplastic Syndromes, Hereditary; Tumor predisposition; Hereditary neoplastic syndrome; Hereditary Cancer Syndrome. Identifiers: Orphanet 140162, MedGen C0027672, MeSH D009386, MONDO:0015356.
Ataxia-telangiectasia-like disorder (ATLD). Identifiers: MedGen C1858391, MONDO:0011457.

Submissions (2):

Ambry Genetics
Classification: Uncertain significance for Hereditary cancer-predisposing syndrome. Last evaluated: 2025-12-03. Review status: criteria provided, single submitter. Criteria: Ambry Variant Classification Scheme 2023. Collection method: clinical testing. Allele origin: germline.

Labcorp Genetics (formerly Invitae), Labcorp
Classification: Uncertain significance for Ataxia-telangiectasia-like disorder. Last evaluated: 2023-11-02. Review status: criteria provided, single submitter. Criteria: Invitae Variant Classification Sherloc (09022015). Collection method: clinical testing. Allele origin: germline.
Comment: This sequence change replaces histidine, which is basic and polar, with aspartic acid, which is acidic and polar, at codon 247 of the MRE11 protein (p.His247Asp). This variant is not present in population databases (gnomAD no frequency). This variant has not been reported in the literature in individuals affected with MRE11-related conditions. ClinVar contains an entry for this variant (Variation ID: 827016). An algorithm developed to predict the effect of missense changes on protein structure and function (PolyPhen-2) suggests that this variant is likely to be disruptive. In summary, the available evidence is currently insufficient to determine the role of this variant in disease. Therefore, it has been classified as a Variant of Uncertain Significance.

NM_005591.4(MRE11):c.739C>G (p.His247Asp)

Gene: MRE11 (MRE11 double strand break repair nuclease; minus strand). Cytogenetic location: 11q21.
Variant type: single nucleotide variant.
Coding change: c.739C>G on transcript NM_005591.4 (MANE Select); coding-DNA position 739, C replaced by G.
Protein change: p.His247Asp; replaces histidine 247 with aspartic acid.
Molecular consequence: missense variant.
Genome position (GRCh38, 1-based): chr11:94,471,680, G>C on the plus strand (C>G on the coding strand, the complement: MRE11 is on the minus strand). VCF-style: chr11-94471680-G-C. GRCh37 (hg19) VCF-style: chr11-94204846-G-C.
Other names: c.739C>G, p.His247Asp (NM_001330347.2, NM_005590.4); short protein forms H247D.
Identifiers: ClinVar variation 827016 (VCV000827016.8), dbSNP rs1591695290, ClinGen allele CA382375783.
Genomic context (GRCh38, chr11:94,471,680, plus strand): 5'-CAGGTTGTGAGATATAAAACAGCTGTTGTTCATTTTTGGTTGGAGCTATTTTACACTCAT[G>C]TTCATGGCCCCAGATAACAAGATCAATGAAGTCATCCAAAAATTGTTCTGGAATGAAGTT-3'
Protein context (NP_005582.1, residues 237-257): FIDLVIWGHE[His247Asp]ECKIAPTKNE